The following is an entry in ClinVar:

NM_006231.4(POLE):c.3851G>A (p.Arg1284Gln)

Gene: POLE (DNA polymerase epsilon, catalytic subunit; minus strand). Cytogenetic location: 12q24.33.
Variant type: single nucleotide variant.
Coding change: c.3851G>A on transcript NM_006231.4 (MANE Select); coding-DNA position 3851, G replaced by A.
Protein change: p.Arg1284Gln; replaces arginine 1284 with glutamine.
Molecular consequence: missense variant.
Genome position (GRCh38, 1-based): chr12:132,649,460, C>T on the plus strand (G>A on the coding strand, the complement: POLE is on the minus strand). VCF-style: chr12-132649460-C-T. GRCh37 (hg19) VCF-style: chr12-133226046-C-T.
Other names: short protein forms R1284Q.
Identifiers: ClinVar variation 240480 (VCV000240480.88), dbSNP rs149462407, ClinGen allele CA6893075.

ClinVar aggregate classification (germline): Conflicting classifications of pathogenicity. Review status: criteria provided, conflicting classifications (1 of 4 stars). 19 submissions from 19 submitters: Uncertain significance (5); Benign (3); Likely benign (6). 5 of the submissions do not count toward it. Last evaluated 2026-01-31.

Conditions:
POLE-related disorder. Also called: POLE-related condition; POLE-related disorders.
Hereditary cancer-predisposing syndrome. Also called: Tumor predisposition; Hereditary Cancer Syndrome; Neoplastic Syndromes, Hereditary; Hereditary neoplastic syndrome. Identifiers: Orphanet 140162, MedGen C0027672, MeSH D009386, MONDO:0015356.
Carcinoma of colon (CRC). Also called: Colonic carcinoma; Colon carcinoma. Identifiers: MedGen C0699790, MONDO:0002032.

Allele frequency attached by ClinVar (database versions not stated): ExAC 0.00062; gnomAD exomes 0.00063 and 0.00125; gnomAD 0.00066 and 0.00068; TOPMed 0.00076; ESP Exome Variant Server 0.00078.

Submissions (19):

Labcorp Genetics (formerly Invitae), Labcorp
Classification: Likely benign. Last evaluated: 2026-01-31. Review status: criteria provided, single submitter. Criteria: Invitae Variant Classification Sherloc (09022015). Collection method: clinical testing. Allele origin: germline.

Dasa
Classification: Likely benign. Last evaluated: 2025-12-29. Review status: criteria provided, single submitter. Criteria: DASA Assertion Criteria. Collection method: clinical testing. Allele origin: germline.
Comment: NM_006231.4(POLE):c.3851G>A (p.Arg1284Gln) is a missense variant that results in the substitution of arginine with glutamine. Population frequency is inconsistent with a disease-causing role for this variant, and the variant context is inconsistent with a known disease-causing mechanism. Computational prediction algorithms are consistent with a benign effect. Therefore, based on the currently available evidence, this variant is classified as likely benign.

PreventionGenetics, part of Exact Sciences
Classification: Likely benign for POLE-related condition. Last evaluated: 2025-06-23. Review status: criteria provided, single submitter. Criteria: ACMG Guidelines, 2015. Collection method: clinical testing. Allele origin: germline.
Comment: This variant is classified as likely benign based on ACMG/AMP sequence variant interpretation guidelines (Richards et al. 2015 PMID: 25741868, with internal and published modifications).

Center for Genomic Medicine, Rigshospitalet, Copenhagen University Hospital
Classification: Uncertain significance. Last evaluated: 2025-03-04. Review status: criteria provided, single submitter. Criteria: ACMG Guidelines, 2015. Collection method: clinical testing. Allele origin: germline.

Blueprint Genetics
Classification: Likely benign. Last evaluated: 2024-11-14. Review status: criteria provided, single submitter. Criteria: ACMG Guidelines, 2015. Collection method: clinical testing. Allele origin: germline.

CeGaT Center for Human Genetics Tuebingen
Classification: Uncertain significance. Last evaluated: 2024-11-01. Review status: criteria provided, single submitter. Criteria: CeGaT Center For Human Genetics Tuebingen Variant Classification Criteria Version 2. Collection method: clinical testing. Allele origin: germline. Affected: yes. Observed: 3 variant alleles.
Comment: POLE: PP2, BP4

Ambry Genetics
Classification: Benign for Hereditary cancer-predisposing syndrome. Last evaluated: 2024-02-28. Review status: criteria provided, single submitter. Criteria: Ambry Variant Classification Scheme 2023. Collection method: clinical testing. Allele origin: germline.

Mayo Clinic Laboratories, Mayo Clinic
Classification: Uncertain significance. Last evaluated: 2022-12-09. Review status: criteria provided, single submitter. Criteria: ACMG Guidelines, 2015. Collection method: clinical testing. Allele origin: germline. Observed: 24 variant alleles.

Genetic Services Laboratory, University of Chicago
Classification: Uncertain significance. Last evaluated: 2021-06-15. Review status: criteria provided, single submitter. Criteria: ACMG Guidelines, 2015. Collection method: clinical testing. Allele origin: germline. Affected: no.
Comment: This sequence change does not appear to have been previously described in patients with POLE-related disorders and been described in the gnomAD database with a population frequency of 0.12% in the non-Finnish European subpopulation (dbSNP rs149462407). The p.Arg1284Gln change affects a moderately conserved amino acid residue located in a domain of the POLE protein that is not known to be functional. The p.Arg1284Gln substitution appears to be benign using several in-silico pathogenicity prediction tools (SIFT, PolyPhen2, Align GVGD, REVEL). Due to these contrasting evidences and the lack of functional studies, the clinical significance of the p.Arg1284Gln change remains unknown at this time.

Sema4
Classification: Benign for Hereditary cancer-predisposing syndrome. Last evaluated: 2020-11-10. Review status: criteria provided, single submitter. Criteria: Sema4 Curation Guidelines. Collection method: curation. Allele origin: germline.

Quest Diagnostics Nichols Institute San Juan Capistrano
Classification: Benign. Last evaluated: 2019-12-05. Review status: criteria provided, single submitter. Criteria: Quest Diagnostics criteria. Collection method: clinical testing. Allele origin: unknown.

Women's Health and Genetics/Laboratory Corporation of America, LabCorp
Classification: Likely benign. Last evaluated: 2018-12-14. Review status: criteria provided, single submitter. Criteria: LabCorp Variant Classification Summary - May 2015. Collection method: clinical testing. Allele origin: germline.
Comment: Variant summary: POLE c.3851G>A (p.Arg1284Gln) results in a conservative amino acid change in the encoded protein sequence. Five of five in-silico tools predict a benign effect of the variant on protein function. The variant allele was found at a frequency of 0.00062 in 267992 control chromosomes. The observed variant frequency is approximately 43 fold of the estimated maximal expected allele frequency for a pathogenic variant in POLE causing Colorectal Cancer phenotype (1.4e-05), strongly suggesting that the variant is benign. To our knowledge, no occurrence of c.3851G>A in individuals affected with Colorectal Cancer and no experimental evidence demonstrating its impact on protein function have been reported. Six clinical diagnostic laboratories have submitted clinical-significance assessments for this variant to ClinVar after 2014 without evidence for independent evaluation. Multiple laboratories reported the variant with conflicting assessments (3 likely benign and 3 VUS). Based on the evidence outlined above, the variant was classified as likely benign.

GeneDx
Classification: Likely benign. Last evaluated: 2017-09-27. Review status: criteria provided, single submitter. Criteria: GeneDx Variant Classification (06012015). Collection method: clinical testing. Allele origin: germline. Affected: yes.
Comment: This variant is considered likely benign or benign based on one or more of the following criteria: it is a conservative change, it occurs at a poorly conserved position in the protein, it is predicted to be benign by multiple in silico algorithms, and/or has population frequency not consistent with disease.

Laboratory for Molecular Medicine, Mass General Brigham Personalized Medicine
Classification: Uncertain significance. Last evaluated: 2016-10-31. Review status: criteria provided, single submitter. Criteria: LMM Criteria. Collection method: clinical testing. Allele origin: germline.
Comment: Variant identified in a genome or exome case(s) and assessed due to predicted null impact of the variant or pathogenic assertions in the literature or databases. Disclaimer: This variant has not undergone full assessment. The following are preliminary notes: This variant has not been reported in affected individuals. It is present in ExAC at a MaxMAF of 0.1%. It is classified in ClinVar as Likely Benign (1 star - Invitae). 11 mammals have a Gln at this position.

Clinical Genetics DNA and cytogenetics Diagnostics Lab, Erasmus MC, Erasmus Medical Center
Classification: Likely benign. Review status: no assertion criteria provided. Collection method: clinical testing. Allele origin: germline. Affected: yes. Study: VKGL Data-share Consensus. Not counted in ClinVar's aggregate classification.

Clinical Genetics, Academic Medical Center
Classification: Likely benign. Review status: no assertion criteria provided. Collection method: clinical testing. Allele origin: germline. Affected: yes. Study: VKGL Data-share Consensus. Not counted in ClinVar's aggregate classification.

Department of Pathology and Laboratory Medicine, Sinai Health System
Classification: Likely benign for Carcinoma of colon. Review status: no assertion criteria provided. Collection method: clinical testing. Allele origin: unknown. Affected: yes. Study: The Canadian Open Genetics Repository (COGR). Not counted in ClinVar's aggregate classification.
Comment: The POLE p.Arg1284Gln variant was not identified in the literature nor was it identified in the Cosmic or MutDB databases. The variant was identified in dbSNP (ID: rs149462407) as "With other allele", and in ClinVar (classified as likely benign by Invitae, GeneDx, Quest Diagnostics Nichols Institute San Juan Capistrano and as uncertain significance by Ambry Genetics and Quest Diagnostics Nichols Institute San Juan Capistrano). The variant was identified in control databases in 167 of 267992 chromosomes at a frequency of 0.0006 (Genome Aggregation Database Feb 27, 2017). The variant was observed in the following populations: European in 136 of 120242 chromosomes (freq: 0.001), African in 5 of 22974 chromosomes (freq: 0.0002), Other in 6 of 6324 chromosomes (freq: 0.001), Latino in 12 of 34274 chromosomes (freq: 0.0003), East Asian in 1 of 18716 chromosomes (freq: 0.0001), Finnish in 5 of 24868 chromosomes (freq: 0.0002), and South Asian in 2 of 30682 chromosomes (freq: 0.0001); it was not observed in the Ashkenazi Jewish population. The p.Arg1284 residue is not conserved in mammals and computational analyses (PolyPhen-2, SIFT, AlignGVGD, BLOSUM, MutationTaster) do not suggest a high likelihood of impact to the protein; however, this information is not predictive enough to rule out pathogenicity. The variant occurs outside of the splicing consensus sequence and only 1 of 5 in silico or computational prediction software programs (SpliceSiteFinder, MaxEntScan, NNSPLICE, GeneSplicer, HumanSpliceFinder) predicts a greater than 10% difference in splicing; this is not very predictive of pathogenicity. In summary, based on the above information, the clinical significance of this variant cannot be determined with certainty at this time although we would lean towards a more benign role for this variant. This variant is classified as likely benign.

Diagnostic Laboratory, Department of Genetics, University Medical Center Groningen
Classification: Likely benign. Review status: no assertion criteria provided. Collection method: clinical testing. Allele origin: germline. Affected: yes. Study: VKGL Data-share Consensus. Not counted in ClinVar's aggregate classification.

Genome Diagnostics Laboratory, Amsterdam University Medical Center
Classification: Likely benign. Review status: no assertion criteria provided. Collection method: clinical testing. Allele origin: germline. Affected: yes. Study: VKGL Data-share Consensus. Not counted in ClinVar's aggregate classification.